The following is an entry in ClinVar:

ClinVar aggregate classification (germline): Uncertain significance (1 of 4 stars; one submission).

Conditions:
Fanconi anemia (FA). Also called: Fanconi's anemia. Identifiers: Orphanet 84, MedGen C0015625, MeSH D005199, MONDO:0019391.

gnomAD v4.1: 7 of 1,516,880 alleles (0.00046%); highest among the groups gnomAD compares: South Asian, 0.0049%; no homozygotes.

Submission:

Labcorp Genetics (formerly Invitae), Labcorp
Classification: Uncertain significance for Fanconi anemia. Last evaluated: 2022-09-15. Review status: criteria provided, single submitter. Criteria: Invitae Variant Classification Sherloc (09022015). Collection method: clinical testing. Allele origin: germline.
Comment: This sequence change replaces glycine, which is neutral and non-polar, with arginine, which is basic and polar, at codon 16 of the FANCA protein (p.Gly16Arg). The frequency data for this variant in the population databases is considered unreliable, as metrics indicate poor data quality at this position in the gnomAD database. This variant has not been reported in the literature in individuals affected with FANCA-related conditions. Advanced modeling of protein sequence and biophysical properties (such as structural, functional, and spatial information, amino acid conservation, physicochemical variation, residue mobility, and thermodynamic stability) performed at Invitae indicates that this missense variant is expected to disrupt FANCA protein function. In summary, the available evidence is currently insufficient to determine the role of this variant in disease. Therefore, it has been classified as a Variant of Uncertain Significance.

NM_000135.4(FANCA):c.46G>A (p.Gly16Arg)

Genes: FANCA (FA complementation group A; minus strand), LOC112486223 (Sharpr-MPRA regulatory region 3988; plus strand). Cytogenetic location: 16q24.3.
Variant type: single nucleotide variant.
Coding change: c.46G>A on transcript NM_000135.4 (MANE Select); coding-DNA position 46, G replaced by A.
Protein change: p.Gly16Arg; replaces glycine 16 with arginine.
Molecular consequence: missense variant.
Genome position (GRCh38, 1-based): chr16:89,816,570, C>T on the plus strand (G>A on the coding strand, the complement: FANCA is on the minus strand). VCF-style: chr16-89816570-C-T. GRCh37 (hg19) VCF-style: chr16-89882978-C-T.
Other names: c.46G>A, p.Gly16Arg (NM_001018112.3, NM_001286167.3, NM_001351830.2); short protein forms G16R.
Identifiers: ClinVar variation 2157987 (VCV002157987.1), dbSNP rs943773590, ClinGen allele CA397484493.